The following is an entry in ClinVar:

NM_002474.3(MYH11):c.981G>T (p.Gln327His)

Gene: MYH11 (myosin heavy chain 11; minus strand). Cytogenetic location: 16p13.11.
Variant type: single nucleotide variant.
Coding change: c.981G>T on transcript NM_002474.3 (MANE Select); coding-DNA position 981, G replaced by T.
Protein change: p.Gln327His; replaces glutamine 327 with histidine.
Molecular consequence: missense variant.
Genome position (GRCh38, 1-based): chr16:15,771,621, C>A on the plus strand (G>T on the coding strand, the complement: MYH11 is on the minus strand). VCF-style: chr16-15771621-C-A. GRCh37 (hg19) VCF-style: chr16-15865478-C-A.
Other names: c.1002G>T, p.Gln334His (NM_001040113.2, NM_001040114.2); c.981G>T, p.Gln327His (NM_022844.3); short protein forms Q327H, Q334H.
Identifiers: ClinVar variation 2126616 (VCV002126616.4), dbSNP rs2506504061, ClinGen allele CA394867757.

ClinVar aggregate classification (germline): Uncertain significance (1 of 4 stars; one submission).

Conditions:
Aortic aneurysm, familial thoracic 4 (AAT4). Also called: AORTIC ANEURYSM/AORTIC DISSECTION AND PATENT DUCTUS ARTERIOSUS. Identifiers: MedGen C1851504, MONDO:0007568, OMIM 132900.

Submission:

Labcorp Genetics (formerly Invitae), Labcorp
Classification: Uncertain significance for Aortic aneurysm, familial thoracic 4. Last evaluated: 2022-04-15. Review status: criteria provided, single submitter. Criteria: Invitae Variant Classification Sherloc (09022015). Collection method: clinical testing. Allele origin: germline.
Comment: In summary, the available evidence is currently insufficient to determine the role of this variant in disease. Therefore, it has been classified as a Variant of Uncertain Significance. Algorithms developed to predict the effect of missense changes on protein structure and function output the following: SIFT: "Deleterious"; PolyPhen-2: "Benign"; Align-GVGD: "Class C0". The histidine amino acid residue is found in multiple mammalian species, which suggests that this missense change does not adversely affect protein function. This variant has not been reported in the literature in individuals affected with MYH11-related conditions. This variant is not present in population databases (gnomAD no frequency). This sequence change replaces glutamine, which is neutral and polar, with histidine, which is basic and polar, at codon 334 of the MYH11 protein (p.Gln334His).